The following is an entry in ClinVar:

ClinVar aggregate classification (germline): Uncertain significance. Review status: criteria provided, multiple submitters, no conflicts (2 of 4 stars). 2 submissions from 2 submitters: Uncertain significance (2). Last evaluated 2025-09-16.

Conditions:
Deafness-lymphedema-leukemia syndrome. Also called: Emberger syndrome; Lymphedema, primary, with myelodysplasia. Identifiers: Orphanet 3226, MedGen C3279664, MONDO:0013540, OMIM 614038.
Monocytopenia with susceptibility to infections. Also called: MONOCYTOPENIA AND MYCOBACTERIAL INFECTION SYNDROME; MONOCYTOPENIA WITH SUSCEPTIBILITY TO MYCOBACTERIAL, FUNGAL, AND PAPILLOMAVIRUS INFECTIONS AND MYELODYSPLASIA; COMBINED IMMUNODEFICIENCY WITH SUSCEPTIBILITY TO MYCOBACTERIAL, VIRAL, AND FUNGAL INFECTIONS; Dendritic cell, monocyte, B lymphocyte, and natural killer lymphocyte deficiency; IMMUNODEFICIENCY 21; GATA2 DEFICIENCY. Identifiers: Orphanet 228423, MedGen C3280030, MONDO:0013607, OMIM 614172.
Inborn genetic diseases. Identifiers: MedGen C0950123, MeSH D030342.

Submissions (2):

Ambry Genetics
Classification: Uncertain significance for Inborn genetic diseases. Last evaluated: 2025-09-16. Review status: criteria provided, single submitter. Criteria: Ambry Variant Classification Scheme 2023. Collection method: clinical testing. Allele origin: germline.
Comment: The c.763_764delGCinsTT variant (also known as p.A255L), located in coding exon 2 of the GATA2 gene, results from an in-frame deletion of GC and insertion of TT at nucleotide positions 763 to 764. This results in the substitution of the alanine residue for a leucine residue at codon 255, an amino acid with similar properties. This amino acid position is not well conserved in available vertebrate species. In addition, this variant is predicted to be neutral by in silico analysis (Choi Y et al. PLoS ONE. 2012; 7(10):e46688). Based on the available evidence, the clinical significance of this variant remains unclear.

Labcorp Genetics (formerly Invitae), Labcorp
Classification: Uncertain significance for Monocytopenia with susceptibility to infections; Deafness-lymphedema-leukemia syndrome. Last evaluated: 2021-10-24. Review status: criteria provided, single submitter. Criteria: Invitae Variant Classification Sherloc (09022015). Collection method: clinical testing. Allele origin: germline.
Comment: This sequence change replaces alanine, which is neutral and non-polar, with leucine, which is neutral and non-polar, at codon 255 of the GATA2 protein (p.Ala255Leu). Information on the frequency of this variant in the gnomAD database is not available, as this variant may be reported differently in the database. This variant has not been reported in the literature in individuals affected with GATA2-related conditions. ClinVar contains an entry for this variant (Variation ID: 1062473). Algorithms developed to predict the effect of missense changes on protein structure and function are either unavailable or do not agree on the potential impact of this missense change (SIFT: "Not Available"; PolyPhen-2: "Possibly Damaging"; Align-GVGD: "Not Available"). In summary, the available evidence is currently insufficient to determine the role of this variant in disease. Therefore, it has been classified as a Variant of Uncertain Significance.

NM_032638.5(GATA2):c.763_764delinsTT (p.Ala255Leu)

Gene: GATA2 (GATA binding protein 2; minus strand). Cytogenetic location: 3q21.3.
Variant type: Indel.
Coding change: c.763_764delinsTT on transcript NM_032638.5 (MANE Select); coding-DNA positions 763 to 764, GC replaced by TT.
Protein change: p.Ala255Leu; replaces alanine 255 with leucine.
Molecular consequence: missense variant.
Genome position (GRCh38, 1-based): chr3:128,485,834-128,485,835, GC replaced by AA on the plus strand (GC replaced by TT on the coding strand, the reverse complement: GATA2 is on the minus strand). VCF-style: chr3-128485834-GC-AA. GRCh37 (hg19) VCF-style: chr3-128204677-GC-AA.
Other names: c.763_764delinsTT, p.Ala255Leu (NM_001145661.2, NM_001145662.1); c.763_764delGCinsTT (NM_032638.4); short protein forms A255L.
Identifiers: ClinVar variation 1062473 (VCV001062473.8), dbSNP rs2107671992, ClinGen allele CA2499216465.